The following is an entry in ClinVar:

ClinVar aggregate classification (germline): Benign/Likely benign. Review status: criteria provided, multiple submitters, no conflicts (2 of 4 stars). 4 submissions from 4 submitters: Benign (1); Likely benign (3). Last evaluated 2026-08-01.

Allele frequency attached by ClinVar (database versions not stated): ExAC below 0.00001; gnomAD exomes 0.00041 and 0.00297; gnomAD 0.00093 and 0.00097; TOPMed 0.00134; 1000 Genomes Project 30x 0.00187; 1000 Genomes Project 0.00200.
gnomAD v4.1: 650 of 1,399,476 alleles (0.046%); highest among the groups gnomAD compares: East Asian, 1%; 3 homozygotes.

Submissions (4):

CeGaT Center for Human Genetics Tuebingen
Classification: Likely benign. Last evaluated: 2026-08-01. Review status: criteria provided, single submitter. Criteria: CeGaT Center For Human Genetics Tuebingen Variant Classification Criteria Version 2. Collection method: clinical testing. Allele origin: germline. Affected: yes. Observed: 8 variant alleles.
Comment: FMN2: BS1

Labcorp Genetics (formerly Invitae), Labcorp
Classification: Benign. Last evaluated: 2019-12-31. Review status: criteria provided, single submitter. Criteria: Invitae Variant Classification Sherloc (09022015). Collection method: clinical testing. Allele origin: germline.

Eurofins Ntd Llc (ga)
Classification: Likely benign. Last evaluated: 2017-05-30. Review status: criteria provided, single submitter. Criteria: EGL Classification Definitions 2015. Collection method: clinical testing. Allele origin: germline. Observed: 1 variant allele, 1 heterozygote.

Breakthrough Genomics
Classification: Likely benign. Review status: criteria provided, single submitter. Criteria: ACMG Guidelines, 2015. Collection method: not provided. Allele origin: germline. Inheritance: Autosomal recessive inheritance. Affected: yes.

NM_020066.5(FMN2):c.893G>A (p.Gly298Asp)

Gene: FMN2 (formin 2; plus strand). Cytogenetic location: 1q43.
Variant type: single nucleotide variant.
Coding change: c.893G>A on transcript NM_020066.5 (MANE Select); coding-DNA position 893, G replaced by A.
Protein change: p.Gly298Asp; replaces glycine 298 with aspartic acid.
Molecular consequence: missense variant.
Genome position (GRCh38, 1-based): chr1:240,093,002, G>A. VCF-style: chr1-240093002-G-A. GRCh37 (hg19) VCF-style: chr1-240256302-G-A.
Other names: c.893G>A, p.Gly298Asp (NM_001305424.2, NM_001348094.2); short protein forms G298D.
Identifiers: ClinVar variation 502309 (VCV000502309.17), dbSNP rs556876873, ClinGen allele CA1476245.